The following is an entry in ClinVar:

NM_003919.3(SGCE):c.1033G>A (p.Gly345Ser)

Genes: CASD1 (CAS1 domain sialic acid O acetyltransferase 1; plus strand), SGCE (sarcoglycan epsilon; minus strand). Cytogenetic location: 7q21.3.
Variant type: single nucleotide variant.
Coding change: c.1033G>A on transcript NM_003919.3 (MANE Select); coding-DNA position 1033, G replaced by A.
Protein change: p.Gly345Ser; replaces glycine 345 with serine.
Molecular consequence: missense variant.
Genome position (GRCh38, 1-based): chr7:94,600,650, C>T on the plus strand (G>A on the coding strand, the complement: SGCE is on the minus strand). VCF-style: chr7-94600650-C-T. GRCh37 (hg19) VCF-style: chr7-94229962-C-T.
Other names: c.1033G>A (NM_003919.2); c.1033G>A, p.Gly345Ser (NM_001099400.2, NM_001099401.2, NM_001346717.2); c.910G>A, p.Gly304Ser (NM_001301139.2, NM_001362809.2); c.1141G>A, p.Gly381Ser (NM_001346713.2, NM_001346715.2); c.946G>A, p.Gly316Ser (NM_001346719.2, NM_001362807.2); c.760G>A, p.Gly254Ser (NM_001346720.2, NM_001362808.2); short protein forms G254S, G304S, G316S, G345S, G381S.
Identifiers: ClinVar variation 1441609 (VCV001441609.10), dbSNP rs553677309, ClinGen allele CA4348670.

ClinVar aggregate classification (germline): Uncertain significance. Review status: criteria provided, multiple submitters, no conflicts (2 of 4 stars). 4 submissions from 4 submitters: Uncertain significance (4). Last evaluated 2026-03-09.

Conditions:
Myoclonic dystonia 11 (DYT11). Also called: Myoclonic dystonia; Dystonia 11; Dystonia, alcohol responsive; Hereditary essential myoclonus; SGCE Myoclonus-Dystonia; Myoclonus-Dystonia. Identifiers: Orphanet 36899, MedGen C1834570, MONDO:0008044, OMIM 159900.
Inborn genetic diseases. Identifiers: MedGen C0950123, MeSH D030342.

Allele frequency attached by ClinVar (database versions not stated): gnomAD 0.00003; gnomAD exomes 0.00003; ExAC 0.00007; 1000 Genomes Project 30x 0.00047; 1000 Genomes Project 0.00060.
gnomAD v4.1: 42 of 1,611,698 alleles (0.0026%); highest among the groups gnomAD compares: South Asian, 0.045%; 1 homozygote.

Submissions (4):

Ambry Genetics
Classification: Uncertain significance for Inborn genetic diseases. Last evaluated: 2026-03-09. Review status: criteria provided, single submitter. Criteria: Ambry Variant Classification Scheme 2023. Collection method: clinical testing. Allele origin: germline.
Comment: The c.1033G>A (p.G345S) alteration is located in exon 7 (coding exon 7) of the SGCE gene. This alteration results from a G to A substitution at nucleotide position 1033, causing the glycine (G) at amino acid position 345 to be replaced by a serine (S). Based on data from gnomAD, the A allele has an overall frequency of 0.003% (9/281100) total alleles studied. The highest observed frequency was 0.026% (8/30544) of South Asian alleles. Based on insufficient or conflicting evidence, the clinical significance of this alteration remains unclear.

Labcorp Genetics (formerly Invitae), Labcorp
Classification: Uncertain significance for Myoclonic dystonia 11. Last evaluated: 2024-12-22. Review status: criteria provided, single submitter. Criteria: Invitae Variant Classification Sherloc (09022015). Collection method: clinical testing. Allele origin: germline.
Comment: This sequence change replaces glycine, which is neutral and non-polar, with serine, which is neutral and polar, at codon 345 of the SGCE protein (p.Gly345Ser). This variant is present in population databases (rs553677309, gnomAD 0.03%). This variant has not been reported in the literature in individuals affected with SGCE-related conditions. ClinVar contains an entry for this variant (Variation ID: 1441609). Invitae Evidence Modeling of protein sequence and biophysical properties (such as structural, functional, and spatial information, amino acid conservation, physicochemical variation, residue mobility, and thermodynamic stability) indicates that this missense variant is not expected to disrupt SGCE protein function with a negative predictive value of 80%. In summary, the available evidence is currently insufficient to determine the role of this variant in disease. Therefore, it has been classified as a Variant of Uncertain Significance.

GeneDx
Classification: Uncertain significance. Last evaluated: 2024-08-07. Review status: criteria provided, single submitter. Criteria: GeneDx Variant Classification Process June 2021. Collection method: clinical testing. Allele origin: germline. Affected: yes.
Comment: In silico analysis supports that this missense variant has a deleterious effect on protein structure/function; Has not been previously published as pathogenic or benign to our knowledge

Revvity Omics, Revvity
Classification: Uncertain significance for Myoclonic dystonia 11. Last evaluated: 2023-07-12. Review status: criteria provided, single submitter. Criteria: ACMG Guidelines, 2015. Collection method: clinical testing. Allele origin: germline.